The following is an entry in ClinVar:

NM_024721.5(ZFHX4):c.9355C>A (p.Pro3119Thr)

Gene: ZFHX4 (zinc finger homeobox 4; plus strand). Cytogenetic location: 8q21.13.
Variant type: single nucleotide variant.
Coding change: c.9355C>A on transcript NM_024721.5 (MANE Select); coding-DNA position 9355, C replaced by A.
Protein change: p.Pro3119Thr; replaces proline 3119 with threonine.
Molecular consequence: missense variant.
Genome position (GRCh38, 1-based): chr8:76,856,276, C>A. VCF-style: chr8-76856276-C-A. GRCh37 (hg19) VCF-style: chr8-77768512-C-A.
Other names: c.9277C>A, p.Pro3093Thr (NM_001410934.1); short protein forms P3093T, P3119T.
Identifiers: ClinVar variation 3056218 (VCV003056218.2), dbSNP rs61729535, ClinGen allele CA4788337.
Genomic context (GRCh38, chr8:76,856,276, plus strand): 5'-CCCGGACTCCCCGGCCTTCCTCCAGTCCTTCTCCCCGGAATGAACGGTCCATCCTCCTTG[C>A]CGGGATTTCCACAAAATTCAAACAGTAAGTCATTTAAAGGAGACTCAGTCTAGTTAATTA-3'
Protein context (NP_078997.4, residues 3109-3129): LPGMNGPSSL[Pro3119Thr]GFPQNSNTLT

ClinVar aggregate classification (germline): Benign (0 of 4 stars; one submission).

Conditions:
ZFHX4-related disorder. Also called: ZFHX4-related condition.

Allele frequency attached by ClinVar (database versions not stated): ESP Exome Variant Server 0.00025; gnomAD exomes 0.00064; gnomAD 0.00103; TOPMed 0.00123; ExAC 0.00145; 1000 Genomes Project 30x 0.00375; 1000 Genomes Project 0.00399.
gnomAD v4.1: 1,080 of 1,613,886 alleles (0.067%); highest among the groups gnomAD compares: East Asian, 1.9%; 11 homozygotes.

Submission:

PreventionGenetics, part of Exact Sciences
Classification: Benign for ZFHX4-related condition. Last evaluated: 2019-08-07. Review status: no assertion criteria provided. Collection method: clinical testing. Allele origin: germline.
Comment: This variant is classified as benign based on ACMG/AMP sequence variant interpretation guidelines (Richards et al. 2015 PMID: 25741868, with internal and published modifications).